The following is an entry in ClinVar:

ClinVar aggregate classification (germline): Uncertain significance (1 of 4 stars; one submission).

gnomAD v4.1: 1 of 1,569,694 alleles (0.000064%); highest among the groups gnomAD compares: Non-Finnish European, 0.000086%; no homozygotes.

Submission:

Labcorp Genetics (formerly Invitae), Labcorp
Classification: Uncertain significance. Last evaluated: 2024-05-21. Review status: criteria provided, single submitter. Criteria: Invitae Variant Classification Sherloc (09022015). Collection method: clinical testing. Allele origin: germline.
Comment: This sequence change replaces valine, which is neutral and non-polar, with isoleucine, which is neutral and non-polar, at codon 195 of the PCGF2 protein (p.Val195Ile). This variant is present in population databases (no rsID available, gnomAD 0.001%). This variant has not been reported in the literature in individuals affected with PCGF2-related conditions. Advanced modeling of protein sequence and biophysical properties (such as structural, functional, and spatial information, amino acid conservation, physicochemical variation, residue mobility, and thermodynamic stability) performed at Invitae indicates that this missense variant is not expected to disrupt PCGF2 protein function with a negative predictive value of 80%. In summary, the available evidence is currently insufficient to determine the role of this variant in disease. Therefore, it has been classified as a Variant of Uncertain Significance.

NM_007144.3(PCGF2):c.583G>A (p.Val195Ile)

Gene: PCGF2 (polycomb group ring finger 2; minus strand). Cytogenetic location: 17q12.
Variant type: single nucleotide variant.
Coding change: c.583G>A on transcript NM_007144.3 (MANE Select); coding-DNA position 583, G replaced by A.
Protein change: p.Val195Ile; replaces valine 195 with isoleucine.
Molecular consequence: missense variant.
Genome position (GRCh38, 1-based): chr17:38,736,164, C>T on the plus strand (G>A on the coding strand, the complement: PCGF2 is on the minus strand). VCF-style: chr17-38736164-C-T. GRCh37 (hg19) VCF-style: chr17-36892417-C-T.
Other names: c.583G>A, p.Val195Ile (NM_001369614.1, NM_001369615.1); short protein forms V195I.
Identifiers: ClinVar variation 3650835 (VCV003650835.2).